The following is an entry in ClinVar:

NM_001366385.1(CARD14):c.1147G>T (p.Asp383Tyr)

Gene: CARD14 (caspase recruitment domain family member 14; plus strand). Cytogenetic location: 17q25.3.
Variant type: single nucleotide variant.
Coding change: c.1147G>T on transcript NM_001366385.1 (MANE Select); coding-DNA position 1147, G replaced by T.
Protein change: p.Asp383Tyr; replaces aspartic acid 383 with tyrosine.
Molecular consequence: missense variant. On other transcripts: non-coding transcript variant (1).
Genome position (GRCh38, 1-based): chr17:80,191,380, G>T. VCF-style: chr17-80191380-G-T. GRCh37 (hg19) VCF-style: chr17-78165179-G-T.
Other names: c.1147G>T, p.Asp383Tyr (NM_001257970.1, NM_024110.4); c.436G>T, p.Asp146Tyr (NM_052819.3); short protein forms D146Y, D383Y.
Identifiers: ClinVar variation 1718475 (VCV001718475.6), dbSNP rs2144267730, ClinGen allele CA401346072.

ClinVar aggregate classification (germline): Uncertain significance (1 of 4 stars; one submission).

Conditions:
Pityriasis rubra pilaris (PRP). Also called: Pityriasis rubra pilaris--familial type. Identifiers: Orphanet 2897, MedGen C0032027, MONDO:0100017, OMIM 173200, MONDO:0008251.
Psoriasis 2. Identifiers: MedGen C1864497, MONDO:0011269, OMIM 602723.

Submission:

Labcorp Genetics (formerly Invitae), Labcorp
Classification: Uncertain significance for Pityriasis rubra pilaris; Psoriasis 2. Last evaluated: 2024-02-23. Review status: criteria provided, single submitter. Criteria: Invitae Variant Classification Sherloc (09022015). Collection method: clinical testing. Allele origin: germline.
Comment: This sequence change replaces aspartic acid, which is acidic and polar, with tyrosine, which is neutral and polar, at codon 383 of the CARD14 protein (p.Asp383Tyr). This variant is not present in population databases (gnomAD no frequency). This variant has not been reported in the literature in individuals affected with CARD14-related conditions. ClinVar contains an entry for this variant (Variation ID: 1718475). Advanced modeling of protein sequence and biophysical properties (such as structural, functional, and spatial information, amino acid conservation, physicochemical variation, residue mobility, and thermodynamic stability) performed at Invitae indicates that this missense variant is expected to disrupt CARD14 protein function with a positive predictive value of 80%. In summary, the available evidence is currently insufficient to determine the role of this variant in disease. Therefore, it has been classified as a Variant of Uncertain Significance.